The following is an entry in ClinVar:

NM_000528.4(MAN2B1):c.604C>A (p.Arg202=)

Gene: MAN2B1 (mannosidase alpha class 2B member 1; minus strand). Cytogenetic location: 19p13.13.
Variant type: single nucleotide variant.
Coding change: c.604C>A on transcript NM_000528.4 (MANE Select); coding-DNA position 604, C replaced by A.
Protein change: p.Arg202=; no amino-acid change (arginine 202 retained).
Molecular consequence: synonymous variant.
Genome position (GRCh38, 1-based): chr19:12,664,818, G>T on the plus strand (C>A on the coding strand, the complement: MAN2B1 is on the minus strand). VCF-style: chr19-12664818-G-T. GRCh37 (hg19) VCF-style: chr19-12775632-G-T.
Other names: c.604C>A, p.Arg202= (NM_001173498.2).
Identifiers: ClinVar variation 2143343 (VCV002143343.1), dbSNP rs1024510764, ClinGen allele CA305478470.

ClinVar aggregate classification (germline): Uncertain significance (1 of 4 stars; one submission).

Conditions:
Deficiency of alpha-mannosidase (MANSA). Also called: LYSOSOMAL ALPHA-D-MANNOSIDASE DEFICIENCY; Alpha-Mannosidosis; Mannosidosis, alpha-, types I and II. Identifiers: Orphanet 61, MedGen C0024748, MONDO:0009561, OMIM 248500.

Allele frequency attached by ClinVar (database versions not stated): gnomAD 0.00001; TOPMed 0.00001.
gnomAD v4.1: 1 of 1,613,454 alleles (0.000062%); highest among the groups gnomAD compares: Admixed American, 0.0017%; no homozygotes.

Submission:

Labcorp Genetics (formerly Invitae), Labcorp
Classification: Uncertain significance for Deficiency of alpha-mannosidase. Last evaluated: 2021-06-24. Review status: criteria provided, single submitter. Criteria: Invitae Variant Classification Sherloc (09022015). Collection method: clinical testing. Allele origin: germline.
Comment: This sequence change affects codon 202 of the MAN2B1 mRNA. It is a 'silent' change, meaning that it does not change the encoded amino acid sequence of the MAN2B1 protein. This variant is not present in population databases (ExAC no frequency). This variant has not been reported in the literature in individuals with MAN2B1-related disease. Algorithms developed to predict the effect of sequence changes on RNA splicing suggest that this variant may create or strengthen a splice site, but this prediction has not been confirmed by published transcriptional studies. In summary, the available evidence is currently insufficient to determine the role of this variant in disease. Therefore, it has been classified as a Variant of Uncertain Significance.